The following is an entry in ClinVar:

ClinVar aggregate classification (germline): Pathogenic (1 of 4 stars; one submission).

Conditions:
Cholestanol storage disease (CTX). Also called: CTX: Cerebrotendinous xanthomatosis; CEREBRAL CHOLESTERINOSIS; Cerebrotendinous Xanthomatosis. Identifiers: Orphanet 909, MedGen C0238052, MONDO:0008948, OMIM 213700.

Submission:

Labcorp Genetics (formerly Invitae), Labcorp
Classification: Pathogenic for Cholestanol storage disease. Last evaluated: 2023-09-15. Review status: criteria provided, single submitter. Criteria: Invitae Variant Classification Sherloc (09022015). Collection method: clinical testing. Allele origin: germline.
Comment: This sequence change creates a premature translational stop signal (p.Val473Leufs*45) in the CYP27A1 gene. While this is not anticipated to result in nonsense mediated decay, it is expected to disrupt the last 59 amino acid(s) of the CYP27A1 protein. This variant is not present in population databases (gnomAD no frequency). This premature translational stop signal has been observed in individual(s) with cerebrotendinous xanthomatosis (PMID: 21404287). In at least one individual the data is consistent with being in trans (on the opposite chromosome) from a pathogenic variant. This variant is also known as c.1414-1421delGGGGTCCG. This variant disrupts a region of the CYP27A1 protein in which other variant(s) (p.Arg479Ser) have been determined to be pathogenic (PMID: 29095540; Invitae). This suggests that this is a clinically significant region of the protein, and that variants that disrupt it are likely to be disease-causing. For these reasons, this variant has been classified as Pathogenic.

Literature cited by the submitters: PubMed 21404287; PubMed 29095540.

NM_000784.4(CYP27A1):c.1416_1423del (p.Val473fs)

Gene: CYP27A1 (cytochrome P450 family 27 subfamily A member 1; plus strand). Cytogenetic location: 2q35.
Variant type: Deletion.
Coding change: c.1416_1423del on transcript NM_000784.4 (MANE Select); coding-DNA positions 1416 to 1423, 8 bases deleted (GGTCCGGG; older notation c.1416_1423delGGTCCGGG).
Protein change: p.Val473fs; shifts the reading frame from valine 473.
Molecular consequence: frameshift variant.
Genome position (GRCh38, 1-based): chr2:218,814,697-218,814,704, GGTCCGGG deleted; deleting any 8 consecutive bases within chr2:218,814,695-218,814,704 gives the same sequence; the c. name uses the placement nearest the transcript's 3' end. VCF-style (leftmost placement, unchanged base first): chr2-218814694-TGGGGTCCG-T. GRCh37 (hg19) VCF-style: chr2-219679417-TGGGGTCCG-T.
Other names: short protein forms V473fs.
Identifiers: ClinVar variation 2734396 (VCV002734396.3), dbSNP rs2470230145, ClinGen allele CA2586971287.